The following is an entry in ClinVar:

ClinVar aggregate classification (germline): Likely benign. Review status: criteria provided, multiple submitters, no conflicts (2 of 4 stars). 3 submissions from 3 submitters: Likely benign (3). Last evaluated 2026-03-27.

Conditions:
Autosomal recessive limb-girdle muscular dystrophy type 2J (LGMDR10). Also called: Limb-girdle muscular dystrophy, type 2J; MUSCULAR DYSTROPHY, LIMB-GIRDLE, AUTOSOMAL RECESSIVE 10. Identifiers: Orphanet 140922, MedGen C1837342, MONDO:0012127, OMIM 608807.
Dilated cardiomyopathy 1G (CMD1G). Identifiers: Orphanet 154, MedGen C1858763, MONDO:0011400, OMIM 604145.

Allele frequency attached by ClinVar (database versions not stated): ESP Exome Variant Server 0.00008; ExAC 0.00001; TOPMed 0.00002; gnomAD exomes 0.00001; gnomAD 0.00003.

Submissions (3):

Molecular Diagnostic Laboratory for Inherited Cardiovascular Disease, Montreal Heart Institute
Classification: Likely benign. Last evaluated: 2026-03-27. Review status: criteria provided, single submitter. Criteria: ACMG Guidelines, 2015. Collection method: clinical testing. Allele origin: germline. Affected: no.

Labcorp Genetics (formerly Invitae), Labcorp
Classification: Likely benign for Dilated cardiomyopathy 1G; Autosomal recessive limb-girdle muscular dystrophy type 2J. Last evaluated: 2025-10-28. Review status: criteria provided, single submitter. Criteria: Invitae Variant Classification Sherloc (09022015). Collection method: clinical testing. Allele origin: germline.

Laboratory for Molecular Medicine, Mass General Brigham Personalized Medicine
Classification: Likely benign. Last evaluated: 2015-06-10. Review status: criteria provided, single submitter. Criteria: LMM Criteria. Collection method: clinical testing. Allele origin: germline. Observed: 1 variant allele.
Comment: p.Tyr8362Tyr in exon 97 of TTN: This variant is not expected to have clinical si gnificance because it does not alter an amino acid residue and is not located wi thin the splice consensus sequence. It has been identified in 1/9802 African chr omosomes by the Exome Aggregation Consortium (ExAC, rg; dbSNP rs374117152).

NM_001267550.2(TTN):c.28818C>T (p.Tyr9606=)

Gene: TTN (titin; minus strand). Cytogenetic location: 2q31.2.
Variant type: single nucleotide variant.
Coding change: c.28818C>T on transcript NM_001267550.2 (MANE Select); coding-DNA position 28818, C replaced by T.
Protein change: p.Tyr9606=; no amino-acid change (tyrosine 9606 retained).
Molecular consequence: synonymous variant. On other transcripts: intron variant (3).
Genome position (GRCh38, 1-based): chr2:178,707,749, G>A on the plus strand (C>T on the coding strand, the complement: TTN is on the minus strand). VCF-style: chr2-178707749-G-A. GRCh37 (hg19) VCF-style: chr2-179572476-G-A.
Other names: c.27867C>T, p.Tyr9289= (NM_001256850.1); c.13282+30333C>T (NM_003319.4); c.13858+30333C>T (NM_133437.4); c.13657+30333C>T (NM_133432.3); c.25086C>T, p.Tyr8362= (NM_133378.4).
Identifiers: ClinVar variation 228075 (VCV000228075.20), dbSNP rs374117152, ClinGen allele CA1999514.
Genomic context (GRCh38, chr2:178,707,749, plus strand): 5'-AGCCTTCAACCACTGGATCCTAATTGGCTCAGATCCCTGGACATGGCAGCTGAGCTGCAC[G>A]TATTCTCCTTCACTCACTGTTACTGGAGTAAGGTGCTGATCAAATACAGGTGGCTTCTTA-3'
Protein context (NP_001254479.2, residues 9596-9616): LTPVTVSEGE[Tyr9606=]VQLSCHVQGS